The following is an entry in ClinVar:

ClinVar aggregate classification (germline): Uncertain significance. Review status: criteria provided, multiple submitters, no conflicts (2 of 4 stars). 2 submissions from 2 submitters: Uncertain significance (2). Last evaluated 2023-10-19.

Conditions:
Hyper-IgM syndrome type 5 (HIGM5). Also called: Hyper-IgM Immunodeficiency Syndrome, Type 5. Identifiers: Orphanet 101092, MedGen C1720958, MONDO:0011971, OMIM 608106.

Allele frequency attached by ClinVar (database versions not stated): gnomAD 0.00003; gnomAD exomes 0.00003.
gnomAD v4.1: 56 of 1,613,714 alleles (0.0035%); highest among the groups gnomAD compares: Non-Finnish European, 0.0043%; no homozygotes.

Submissions (2):

Blueprint Genetics
Classification: Uncertain significance. Last evaluated: 2023-10-19. Review status: criteria provided, single submitter. Criteria: ACMG Guidelines, 2015. Collection method: clinical testing. Allele origin: germline.

Labcorp Genetics (formerly Invitae), Labcorp
Classification: Uncertain significance for Hyper-IgM syndrome type 5. Last evaluated: 2022-05-25. Review status: criteria provided, single submitter. Criteria: Invitae Variant Classification Sherloc (09022015). Collection method: clinical testing. Allele origin: germline.
Comment: This sequence change replaces proline, which is neutral and non-polar, with leucine, which is neutral and non-polar, at codon 176 of the UNG protein (p.Pro176Leu). This variant is present in population databases (no rsID available, gnomAD 0.004%). This variant has not been reported in the literature in individuals affected with UNG-related conditions. Algorithms developed to predict the effect of missense changes on protein structure and function are either unavailable or do not agree on the potential impact of this missense change (SIFT: "Deleterious"; PolyPhen-2: "Probably Damaging"; Align-GVGD: "Class C0"). In summary, the available evidence is currently insufficient to determine the role of this variant in disease. Therefore, it has been classified as a Variant of Uncertain Significance.

NM_080911.3(UNG):c.527C>T (p.Pro176Leu)

Gene: UNG (uracil DNA glycosylase; plus strand). Cytogenetic location: 12q24.11.
Variant type: single nucleotide variant.
Coding change: c.527C>T on transcript NM_080911.3 (MANE Select); coding-DNA position 527, C replaced by T.
Protein change: p.Pro176Leu; replaces proline 176 with leucine.
Molecular consequence: missense variant.
Genome position (GRCh38, 1-based): chr12:109,101,993, C>T. VCF-style: chr12-109101993-C-T. GRCh37 (hg19) VCF-style: chr12-109539798-C-T.
Other names: c.500C>T, p.Pro167Leu (NM_003362.4); short protein forms P167L, P176L.
Identifiers: ClinVar variation 2164408 (VCV002164408.2), dbSNP rs970951562, ClinGen allele CA243397415.
Genomic context (GRCh38, chr12:109,101,993, plus strand): 5'-ATCATGGACCTAATCAAGCTCACGGGCTCTGCTTTAGTGTTCAAAGGCCTGTTCCGCCTC[C>T]GCCCAGGTACAGTTGCTTTACAGGTGACTGCAGTCCAGACATGATTCCTTTCAGATGTGT-3'
Protein context (NP_550433.1, residues 166-186): CFSVQRPVPP[Pro176Leu]PSLENIYKEL